The following is an entry in ClinVar:

ClinVar aggregate classification (germline): Uncertain significance (1 of 4 stars; one submission).

Submission:

Labcorp Genetics (formerly Invitae), Labcorp
Classification: Uncertain significance. Last evaluated: 2022-07-05. Review status: criteria provided, single submitter. Criteria: Invitae Variant Classification Sherloc (09022015). Collection method: clinical testing. Allele origin: germline.
Comment: This variant has not been reported in the literature in individuals affected with KIDINS220-related conditions. In summary, the available evidence is currently insufficient to determine the role of this variant in disease. Therefore, it has been classified as a Variant of Uncertain Significance. Algorithms developed to predict the effect of missense changes on protein structure and function are either unavailable or do not agree on the potential impact of this missense change (SIFT: "Deleterious"; PolyPhen-2: "Possibly Damaging"; Align-GVGD: "Class C0"). This variant is not present in population databases (gnomAD no frequency). This sequence change replaces isoleucine, which is neutral and non-polar, with phenylalanine, which is neutral and non-polar, at codon 374 of the KIDINS220 protein (p.Ile374Phe).

NM_020738.4(KIDINS220):c.1120A>T (p.Ile374Phe)

Gene: KIDINS220 (kinase D interacting substrate 220; minus strand). Cytogenetic location: 2p25.1.
Variant type: single nucleotide variant.
Coding change: c.1120A>T on transcript NM_020738.4 (MANE Select); coding-DNA position 1120, A replaced by T.
Protein change: p.Ile374Phe; replaces isoleucine 374 with phenylalanine.
Molecular consequence: missense variant. On other transcripts: non-coding transcript variant (2).
Genome position (GRCh38, 1-based): chr2:8,793,966, T>A on the plus strand (A>T on the coding strand, the complement: KIDINS220 is on the minus strand). VCF-style: chr2-8793966-T-A. GRCh37 (hg19) VCF-style: chr2-8934096-T-A.
Other names: c.1123A>T, p.Ile375Phe (NM_001348729.2, NM_001348731.2, NM_001348734.2 and 3 more transcripts); c.1120A>T, p.Ile374Phe (NM_001348732.2, NM_001348735.2, NM_001348738.2 and 3 more transcripts); c.994A>T, p.Ile332Phe (NM_001348736.2); short protein forms I375F, I374F, I332F.
Identifiers: ClinVar variation 2002887 (VCV002002887.4), dbSNP rs2528076065, ClinGen allele CA345769714.